The following is an entry in ClinVar:

NM_181882.3(PRX):c.2986C>T (p.Leu996Phe)

Gene: PRX (periaxin; minus strand). Cytogenetic location: 19q13.2.
Variant type: single nucleotide variant.
Coding change: c.2986C>T on transcript NM_181882.3 (MANE Select); coding-DNA position 2986, C replaced by T.
Protein change: p.Leu996Phe; replaces leucine 996 with phenylalanine.
Molecular consequence: missense variant. On other transcripts: 3 prime UTR variant (1).
Genome position (GRCh38, 1-based): chr19:40,395,366, G>A on the plus strand (C>T on the coding strand, the complement: PRX is on the minus strand). VCF-style: chr19-40395366-G-A. GRCh37 (hg19) VCF-style: chr19-40901273-G-A.
Other names: c.3271C>T, p.Leu1091Phe (NM_001411127.1); c.*3191C>T (NM_020956.2); short protein forms L996F, L1091F.
Identifiers: ClinVar variation 1798442 (VCV001798442.4), dbSNP rs1311914136, ClinGen allele CA405895189.

ClinVar aggregate classification (germline): Uncertain significance. Review status: criteria provided, multiple submitters, no conflicts (2 of 4 stars). 2 submissions from 2 submitters: Uncertain significance (2). Last evaluated 2022-08-10.

Conditions:
Charcot-Marie-Tooth disease type 4. Also called: Charcot-Marie-Tooth disease, type IV; Charcot-Marie-Tooth, Type 4. Identifiers: Orphanet 64749, MedGen C4082197, MONDO:0018995.
Inborn genetic diseases. Identifiers: MedGen C0950123, MeSH D030342.

Allele frequency attached by ClinVar (database versions not stated): TOPMed below 0.00001; gnomAD 0.00001.
gnomAD v4.1: 21 of 1,613,698 alleles (0.0013%); highest among the groups gnomAD compares: East Asian, 0.0045%; no homozygotes.

Submissions (2):

Ambry Genetics
Classification: Uncertain significance for Inborn genetic diseases. Last evaluated: 2022-08-10. Review status: criteria provided, single submitter. Criteria: Ambry Variant Classification Scheme 2023. Collection method: clinical testing. Allele origin: germline.
Comment: The p.L996F variant (also known as c.2986C>T), located in coding exon 4 of the PRX gene, results from a C to T substitution at nucleotide position 2986. The leucine at codon 996 is replaced by phenylalanine, an amino acid with highly similar properties. This amino acid position is conserved. In addition, this alteration is predicted to be tolerated by in silico analysis. Since supporting evidence is limited at this time, the clinical significance of this alteration remains unclear.

Labcorp Genetics (formerly Invitae), Labcorp
Classification: Uncertain significance for Charcot-Marie-Tooth disease type 4. Last evaluated: 2022-05-28. Review status: criteria provided, single submitter. Criteria: Invitae Variant Classification Sherloc (09022015). Collection method: clinical testing. Allele origin: germline.
Comment: This sequence change replaces leucine, which is neutral and non-polar, with phenylalanine, which is neutral and non-polar, at codon 996 of the PRX protein (p.Leu996Phe). This variant is not present in population databases (gnomAD no frequency). This variant has not been reported in the literature in individuals affected with PRX-related conditions. Algorithms developed to predict the effect of missense changes on protein structure and function are either unavailable or do not agree on the potential impact of this missense change (SIFT: "Tolerated"; PolyPhen-2: "Possibly Damaging"; Align-GVGD: "Class C0"). In summary, the available evidence is currently insufficient to determine the role of this variant in disease. Therefore, it has been classified as a Variant of Uncertain Significance.